The following is an entry in ClinVar:

ClinVar aggregate classification (germline): Uncertain significance. Review status: criteria provided, multiple submitters, no conflicts (2 of 4 stars). 2 submissions from 2 submitters: Uncertain significance (2). Last evaluated 2025-06-25.

Conditions:
Hereditary cancer-predisposing syndrome. Also called: Tumor predisposition; Hereditary neoplastic syndrome; Neoplastic Syndromes, Hereditary; Hereditary Cancer Syndrome. Identifiers: Orphanet 140162, MedGen C0027672, MeSH D009386, MONDO:0015356.
Multiple endocrine neoplasia, type 2 (MEN2). Identifiers: Orphanet 653, MedGen C4048306, MONDO:0019003. Disease mechanism: gain of function.

Submissions (2):

Ambry Genetics
Classification: Uncertain significance for Hereditary cancer-predisposing syndrome. Last evaluated: 2025-06-25. Review status: criteria provided, single submitter. Criteria: Ambry Variant Classification Scheme 2023. Collection method: clinical testing. Allele origin: germline.
Comment: The p.C426F variant (also known as c.1277G>T), located in coding exon 7 of the RET gene, results from a G to T substitution at nucleotide position 1277. The cysteine at codon 426 is replaced by phenylalanine, an amino acid with highly dissimilar properties. This amino acid position is conserved. In addition, this alteration is predicted to be deleterious by in silico analysis. Based on the available evidence, the clinical significance of this variant remains unclear.

Labcorp Genetics (formerly Invitae), Labcorp
Classification: Uncertain significance for Multiple endocrine neoplasia, type 2. Last evaluated: 2020-12-24. Review status: criteria provided, single submitter. Criteria: Invitae Variant Classification Sherloc (09022015). Collection method: clinical testing. Allele origin: germline.
Comment: This variant is not present in population databases (ExAC no frequency). This sequence change replaces cysteine with phenylalanine at codon 426 of the RET protein (p.Cys426Phe). The cysteine residue is highly conserved and there is a large physicochemical difference between cysteine and phenylalanine. Algorithms developed to predict the effect of missense changes on protein structure and function are either unavailable or do not agree on the potential impact of this missense change (SIFT: "Tolerated"; PolyPhen-2: "Probably Damaging"; Align-GVGD: "Class C0"). This variant has not been reported in the literature in individuals with RET-related conditions. In summary, the available evidence is currently insufficient to determine the role of this variant in disease. Therefore, it has been classified as a Variant of Uncertain Significance.

NM_020975.6(RET):c.1277G>T (p.Cys426Phe)

Gene: RET (ret proto-oncogene; plus strand). Cytogenetic location: 10q11.21.
Variant type: single nucleotide variant.
Coding change: c.1277G>T on transcript NM_020975.6 (MANE Select); coding-DNA position 1277, G replaced by T.
Protein change: p.Cys426Phe; replaces cysteine 426 with phenylalanine.
Molecular consequence: missense variant.
Genome position (GRCh38, 1-based): chr10:43,111,220, G>T. VCF-style: chr10-43111220-G-T. GRCh37 (hg19) VCF-style: chr10-43606668-G-T.
Other names: c.1277G>T, p.Cys426Phe (NM_000323.2, NM_001406743.1, NM_001406744.1 and 6 more transcripts); c.515G>T, p.Cys172Phe (NM_001355216.2); c.1148G>T, p.Cys383Phe (NM_001406761.1, NM_001406762.1, NM_001406764.1 and 1 more transcripts); c.989G>T, p.Cys330Phe (NM_001406766.1, NM_001406767.1, NM_001406770.1); c.881G>T, p.Cys294Phe (NM_001406769.1, NM_001406772.1); c.839G>T, p.Cys280Phe (NM_001406771.1, NM_001406773.1); c.752G>T, p.Cys251Phe (NM_001406774.1); c.551G>T, p.Cys184Phe (NM_001406775.1, NM_001406776.1, NM_001406777.1 and 1 more transcripts); and 1 more; short protein forms C172F, C426F, C280F, C383F, C184F, C251F, C96F, C294F.
Identifiers: ClinVar variation 1358584 (VCV001358584.10), dbSNP rs1387494484, ClinGen allele CA376548857.
Genomic context (GRCh38, chr10:43,111,220, plus strand): 5'-AGGCCGGTCCAGCTGCCTGGCTAAGGTGTTCCCCTGTGCCCCCCTAGATCGGGAAAGTCT[G>T]TGTGGAAAACTGCCAGGCATTCAGTGGCATCAACGTCCAGTACAAGCTGCATTCCTCTGG-3'
Protein context (NP_066124.1, residues 416-436): ARRFAQIGKV[Cys426Phe]VENCQAFSGI